The following is an entry in ClinVar:

NM_001036.6(RYR3):c.1204C>T (p.Arg402Cys)

Gene: RYR3 (ryanodine receptor 3; plus strand). Cytogenetic location: 15q14.
Variant type: single nucleotide variant.
Coding change: c.1204C>T on transcript NM_001036.6 (MANE Select); coding-DNA position 1204, C replaced by T.
Protein change: p.Arg402Cys; replaces arginine 402 with cysteine.
Molecular consequence: missense variant.
Genome position (GRCh38, 1-based): chr15:33,566,735, C>T. VCF-style: chr15-33566735-C-T. GRCh37 (hg19) VCF-style: chr15-33858936-C-T.
Other names: c.1204C>T, p.Arg402Cys (NM_001243996.4); short protein forms R402C.
Identifiers: ClinVar variation 938713 (VCV000938713.6), dbSNP rs754291567, ClinGen allele CA7458054.

ClinVar aggregate classification (germline): Uncertain significance (1 of 4 stars; one submission).

Conditions:
Epileptic encephalopathy. Identifiers: MedGen C0543888, HP:0200134.

Allele frequency attached by ClinVar (database versions not stated): ExAC 0.00001; TOPMed 0.00003; gnomAD 0.00004; gnomAD exomes 0.00005.
gnomAD v4.1: 49 of 1,613,616 alleles (0.003%); highest among the groups gnomAD compares: African/African-American, 0.004%; no homozygotes.

Submission:

Labcorp Genetics (formerly Invitae), Labcorp
Classification: Uncertain significance for Epileptic encephalopathy. Last evaluated: 2024-02-24. Review status: criteria provided, single submitter. Criteria: Invitae Variant Classification Sherloc (09022015). Collection method: clinical testing. Allele origin: germline.
Comment: This sequence change replaces arginine, which is basic and polar, with cysteine, which is neutral and slightly polar, at codon 402 of the RYR3 protein (p.Arg402Cys). This variant is present in population databases (rs754291567, gnomAD 0.08%), and has an allele count higher than expected for a pathogenic variant. This variant has not been reported in the literature in individuals affected with RYR3-related conditions. ClinVar contains an entry for this variant (Variation ID: 938713). Advanced modeling of protein sequence and biophysical properties (such as structural, functional, and spatial information, amino acid conservation, physicochemical variation, residue mobility, and thermodynamic stability) performed at Invitae indicates that this missense variant is not expected to disrupt RYR3 protein function with a negative predictive value of 80%. In summary, the available evidence is currently insufficient to determine the role of this variant in disease. Therefore, it has been classified as a Variant of Uncertain Significance.